The following is an entry in ClinVar:

ClinVar aggregate classification (germline): Likely benign (0 of 4 stars; one submission).

Conditions:
FAT3-related disorder. Also called: FAT3-related condition.

Allele frequency attached by ClinVar (database versions not stated): 1000 Genomes Project 30x 0.00047; 1000 Genomes Project 0.00060; TOPMed 0.00173; ESP Exome Variant Server 0.00190; gnomAD 0.00238; ExAC 0.00306; gnomAD exomes 0.00320.
gnomAD v4.1: 5,039 of 1,613,784 alleles (0.31%); highest among the groups gnomAD compares: Non-Finnish European, 0.36%; 11 homozygotes.

Submission:

PreventionGenetics, part of Exact Sciences
Classification: Likely benign for FAT3-related condition. Last evaluated: 2019-10-01. Review status: no assertion criteria provided. Collection method: clinical testing. Allele origin: germline.
Comment: This variant is classified as likely benign based on ACMG/AMP sequence variant interpretation guidelines (Richards et al. 2015 PMID: 25741868, with internal and published modifications).

NM_001367949.2(FAT3):c.13726C>T (p.Leu4576Phe)

Gene: FAT3 (FAT atypical cadherin 3; plus strand). Cytogenetic location: 11q14.3.
Variant type: single nucleotide variant.
Coding change: c.13726C>T on transcript NM_001367949.2 (MANE Select); coding-DNA position 13726, C replaced by T.
Protein change: p.Leu4576Phe; replaces leucine 4576 with phenylalanine.
Molecular consequence: missense variant.
Genome position (GRCh38, 1-based): chr11:92,891,069, C>T. VCF-style: chr11-92891069-C-T. GRCh37 (hg19) VCF-style: chr11-92624235-C-T.
Other names: c.13630C>T, p.Leu4544Phe (NM_001008781.3); short protein forms L4544F, L4576F.
Identifiers: ClinVar variation 3042244 (VCV003042244.2), dbSNP rs187159256, ClinGen allele CA6228853.